The following is an entry in ClinVar:

NM_012106.4(ARL2BP):c.94A>G (p.Ile32Val)

Gene: ARL2BP (ARF like GTPase 2 binding protein; plus strand). Cytogenetic location: 16q13.
Variant type: single nucleotide variant.
Coding change: c.94A>G on transcript NM_012106.4 (MANE Select); coding-DNA position 94, A replaced by G.
Protein change: p.Ile32Val; replaces isoleucine 32 with valine.
Molecular consequence: missense variant.
Genome position (GRCh38, 1-based): chr16:57,246,135, A>G. VCF-style: chr16-57246135-A-G. GRCh37 (hg19) VCF-style: chr16-57280047-A-G.
Other names: short protein forms I32V.
Identifiers: ClinVar variation 1386353 (VCV001386353.7), dbSNP rs199762075, ClinGen allele CA8074838.

ClinVar aggregate classification (germline): Uncertain significance. Review status: criteria provided, multiple submitters, no conflicts (2 of 4 stars). 2 submissions from 2 submitters: Uncertain significance (2). Last evaluated 2022-04-30.

Allele frequency attached by ClinVar (database versions not stated): gnomAD exomes below 0.00001; ExAC 0.00001.
gnomAD v4.1: 1 of 1,614,016 alleles (0.000062%); highest among the groups gnomAD compares: Non-Finnish European, 0.000085%; no homozygotes.

Submissions (2):

Labcorp Genetics (formerly Invitae), Labcorp
Classification: Uncertain significance. Last evaluated: 2022-04-30. Review status: criteria provided, single submitter. Criteria: Invitae Variant Classification Sherloc (09022015). Collection method: clinical testing. Allele origin: germline.
Comment: This sequence change replaces isoleucine, which is neutral and non-polar, with valine, which is neutral and non-polar, at codon 32 of the ARL2BP protein (p.Ile32Val). This variant is present in population databases (rs199762075, gnomAD 0.0009%). This variant has not been reported in the literature in individuals affected with ARL2BP-related conditions. Algorithms developed to predict the effect of missense changes on protein structure and function are either unavailable or do not agree on the potential impact of this missense change (SIFT: "Deleterious"; PolyPhen-2: "Benign"; Align-GVGD: "Class C0"). In summary, the available evidence is currently insufficient to determine the role of this variant in disease. Therefore, it has been classified as a Variant of Uncertain Significance.

Blueprint Genetics
Classification: Uncertain significance. Last evaluated: 2019-08-27. Review status: criteria provided, single submitter. Criteria: ACMG Guidelines, 2015. Collection method: clinical testing. Allele origin: germline.